The following is an entry in ClinVar:

ClinVar aggregate classification (germline): Conflicting classifications of pathogenicity. Review status: criteria provided, conflicting classifications (1 of 4 stars). 2 submissions from 2 submitters: Uncertain significance (1); Likely benign (1). Last evaluated 2025-05-01.

Conditions:
Catecholaminergic polymorphic ventricular tachycardia 1. Also called: RYR2-Related Catecholaminergic Polymorphic Ventricular Tachycardia; VENTRICULAR TACHYCARDIA, CATECHOLAMINERGIC POLYMORPHIC, 1, WITH OR WITHOUT ATRIAL DYSFUNCTION AND/OR DILATED CARDIOMYOPATHY; VENTRICULAR TACHYCARDIA, STRESS-INDUCED POLYMORPHIC 1. Identifiers: Orphanet 3286, MedGen C1631597, MONDO:0011484, OMIM 604772.
Cardiovascular phenotype. Identifiers: MedGen CN230736.

Allele frequency attached by ClinVar (database versions not stated): gnomAD exomes below 0.00001; TOPMed below 0.00001; ExAC 0.00001; gnomAD 0.00001.
gnomAD v4.1: 3 of 1,613,666 alleles (0.00019%); highest among the groups gnomAD compares: African/African-American, 0.004%; no homozygotes.

Submissions (2):

Ambry Genetics
Classification: Uncertain significance for Cardiovascular phenotype. Last evaluated: 2025-05-01. Review status: criteria provided, single submitter. Criteria: Ambry Variant Classification Scheme 2023. Collection method: clinical testing. Allele origin: germline.
Comment: The p.V4271I variant (also known as c.12811G>A), located in coding exon 90 of the RYR2 gene, results from a G to A substitution at nucleotide position 12811. The valine at codon 4271 is replaced by isoleucine, an amino acid with highly similar properties. This amino acid position is poorly conserved in available vertebrate species. In addition, this alteration is predicted to be tolerated by in silico analysis. Based on the available evidence, the clinical significance of this variant remains unclear.

Labcorp Genetics (formerly Invitae), Labcorp
Classification: Likely benign for Catecholaminergic polymorphic ventricular tachycardia 1. Last evaluated: 2024-07-02. Review status: criteria provided, single submitter. Criteria: Invitae Variant Classification Sherloc (09022015). Collection method: clinical testing. Allele origin: germline.

NM_001035.3(RYR2):c.12811G>A (p.Val4271Ile)

Genes: RYR2 (ryanodine receptor 2; plus strand), LOC126806068 (BRD4-independent group 4 enhancer GRCh37_chr1:237947411-237948610; plus strand). Cytogenetic location: 1q43.
Variant type: single nucleotide variant.
Coding change: c.12811G>A on transcript NM_001035.3 (MANE Select); coding-DNA position 12811, G replaced by A.
Protein change: p.Val4271Ile; replaces valine 4271 with isoleucine.
Molecular consequence: missense variant.
Genome position (GRCh38, 1-based): chr1:237,784,523, G>A. VCF-style: chr1-237784523-G-A. GRCh37 (hg19) VCF-style: chr1-237947823-G-A.
Other names: c.12811G>A (NM_001035.2); short protein forms V4271I.
Identifiers: ClinVar variation 1916586 (VCV001916586.6), dbSNP rs760015622, ClinGen allele CA085241.